The following is an entry in ClinVar:

NM_182961.4(SYNE1):c.4244T>G (p.Leu1415Arg)

Gene: SYNE1 (spectrin repeat containing nuclear envelope protein 1; minus strand). Cytogenetic location: 6q25.2.
Variant type: single nucleotide variant.
Coding change: c.4244T>G on transcript NM_182961.4 (MANE Select); coding-DNA position 4244, T replaced by G.
Protein change: p.Leu1415Arg; replaces leucine 1415 with arginine.
Molecular consequence: missense variant.
Genome position (GRCh38, 1-based): chr6:152,436,007, A>C on the plus strand (T>G on the coding strand, the complement: SYNE1 is on the minus strand). VCF-style: chr6-152436007-A-C. GRCh37 (hg19) VCF-style: chr6-152757142-A-C.
Other names: c.4265T>G, p.Leu1422Arg (NM_033071.5); short protein forms L1415R, L1422R.
Identifiers: ClinVar variation 3751880 (VCV003751880.2).

ClinVar aggregate classification (germline): Uncertain significance (1 of 4 stars; one submission).

Conditions:
Emery-Dreifuss muscular dystrophy 4, autosomal dominant (EDMD4). Also called: EMERY-DREIFUSS MUSCULAR DYSTROPHY 4 WITH VARIABLE FEATURES. Identifiers: Orphanet 261, MedGen C2751807, MONDO:0013071, OMIM 612998.
Autosomal recessive ataxia, Beauce type. Also called: Spinocerebellar ataxia, autosomal recessive 8; ATAXIA, RECESSIVE, OF BEAUCE; SYNE1-Related Autosomal Recessive Cerebellar Ataxia; SYNE1 Deficiency. Identifiers: Orphanet 88644, MedGen C1853116, MONDO:0012549, OMIM 610743.

gnomAD v4.1: 12 of 1,614,158 alleles (0.00074%); highest among the groups gnomAD compares: Middle Eastern, 0.017%; no homozygotes.

Submission:

Labcorp Genetics (formerly Invitae), Labcorp
Classification: Uncertain significance for Emery-Dreifuss muscular dystrophy 4, autosomal dominant; Autosomal recessive ataxia, Beauce type. Last evaluated: 2025-01-29. Review status: criteria provided, single submitter. Criteria: Invitae Variant Classification Sherloc (09022015). Collection method: clinical testing. Allele origin: germline.
Comment: This sequence change replaces leucine, which is neutral and non-polar, with arginine, which is basic and polar, at codon 1422 of the SYNE1 protein (p.Leu1422Arg). This variant is present in population databases (no rsID available, gnomAD 0.0009%). This variant has not been reported in the literature in individuals affected with SYNE1-related conditions. An algorithm developed to predict the effect of missense changes on protein structure and function (PolyPhen-2) suggests that this variant is likely to be disruptive. In summary, the available evidence is currently insufficient to determine the role of this variant in disease. Therefore, it has been classified as a Variant of Uncertain Significance.